The following is an entry in ClinVar:

NC_012920.1(MT-ND2):m.5076C>T

Gene: MT-ND2 (mitochondrially encoded NADH dehydrogenase 2; plus strand).
Variant type: single nucleotide variant.
Genome position: chrM-5076-C-T.
Identifiers: ClinVar variation 692542 (VCV000692542.1), dbSNP rs386828960, ClinGen allele CA337097057.

ClinVar aggregate classification (germline): Benign (1 of 4 stars; one submission).

Conditions:
Leigh syndrome (NULS). Also called: Leigh's necrotizing encephalopathy; Leigh's disease; Leigh Syndrome (mtDNA deletion); Leigh Disease; Subacute necrotizing encephalopathy; Necrotizing encephalopathy infantile subacute of Leigh. Identifiers: Orphanet 506, MedGen C2931891, MONDO:0009723, OMIM 256000.

Submission:

Wong Mito Lab, Molecular and Human Genetics, Baylor College of Medicine
Classification: Benign for Leigh syndrome. Last evaluated: 2019-10-17. Review status: criteria provided, single submitter. Criteria: Modified ACMG Guidelines (Unpublished). Collection method: clinical testing. Allele origin: germline.
Comment: The NC_012920.1:m.5076C>T (YP_003024027.1:p.Leu203Phe) variant in MTND2 gene is interpretated to be a Benign variant based on the modified ACMG guidelines (unpublished). This variant meets the following evidence codes: BS1, BS2, BP4